The following is an entry in ClinVar:

NM_177438.3(DICER1):c.5433T>A (p.Ile1811=)

Gene: DICER1 (dicer 1, ribonuclease III; minus strand). Cytogenetic location: 14q32.13.
Variant type: single nucleotide variant.
Coding change: c.5433T>A on transcript NM_177438.3 (MANE Select); coding-DNA position 5433, T replaced by A.
Protein change: p.Ile1811=; no amino-acid change (isoleucine 1811 retained).
Molecular consequence: synonymous variant. On other transcripts: intron variant (1).
Genome position (GRCh38, 1-based): chr14:95,091,297, A>T on the plus strand (T>A on the coding strand, the complement: DICER1 is on the minus strand). VCF-style: chr14-95091297-A-T. GRCh37 (hg19) VCF-style: chr14-95557634-A-T.
Other names: c.5433T>A, p.Ile1811= (NM_001271282.3, NM_001291628.2, NM_030621.4); c.5365-188T>A (NM_001195573.1).
Identifiers: ClinVar variation 1552018 (VCV001552018.12), dbSNP rs2139778181, ClinGen allele CA487843725.

ClinVar aggregate classification (germline): Benign/Likely benign. Review status: criteria provided, multiple submitters, no conflicts (2 of 4 stars). 3 submissions from 3 submitters: Benign (1); Likely benign (2). Last evaluated 2026-04-21.

Conditions:
Hereditary cancer-predisposing syndrome. Also called: Neoplastic Syndromes, Hereditary; Tumor predisposition; Hereditary Cancer Syndrome; Hereditary neoplastic syndrome. Identifiers: Orphanet 140162, MedGen C0027672, MeSH D009386, MONDO:0015356.
DICER1-related tumor predisposition. Also called: DICER1-related pleuropulmonary blastoma cancer predisposition syndrome; DICER1 syndrome. Identifiers: Orphanet 284343, MedGen C3839822, MONDO:0100216.

Submissions (3):

Myriad Genetics, Inc.
Classification: Benign for DICER1-related tumor predisposition. Last evaluated: 2026-04-21. Review status: criteria provided, single submitter. Criteria: Myriad Autosomal Dominant, Autosomal Recessive and X-Linked Classification Criteria (2023). Collection method: clinical testing. Allele origin: unknown.
Comment: This variant is considered benign. This variant is a silent/synonymous amino acid change and it is not expected to impact splicing.

Labcorp Genetics (formerly Invitae), Labcorp
Classification: Likely benign for DICER1-related tumor predisposition. Last evaluated: 2023-11-24. Review status: criteria provided, single submitter. Criteria: Invitae Variant Classification Sherloc (09022015). Collection method: clinical testing. Allele origin: germline.

Ambry Genetics
Classification: Likely benign for Hereditary cancer-predisposing syndrome. Last evaluated: 2021-03-26. Review status: criteria provided, single submitter. Criteria: Ambry Variant Classification Scheme 2023. Collection method: clinical testing. Allele origin: germline.